The following is an entry in ClinVar:

ClinVar aggregate classification (germline): Uncertain significance (1 of 4 stars; one submission).

gnomAD v4.1: 3 of 1,613,610 alleles (0.00019%); highest among the groups gnomAD compares: Non-Finnish European, 0.00025%; no homozygotes.

Submission:

Women's Health and Genetics/Laboratory Corporation of America, LabCorp
Classification: Uncertain significance. Last evaluated: 2025-05-09. Review status: criteria provided, single submitter. Criteria: LabCorp Variant Classification Summary - May 2015. Collection method: clinical testing. Allele origin: germline.
Comment: Variant summary: DYNC2H1 c.1421T>G (p.Leu474Arg) results in a non-conservative amino acid change in the encoded protein sequence. Algorithms developed to predict the effect of missense changes on protein structure and function are either unavailable or do not agree on the potential impact of this missense change. The variant allele was found at a frequency of 4e-06 in 248968 control chromosomes. The available data on variant occurrences in the general population are insufficient to allow any conclusion about variant significance. c.1421T>G has been observed in compound heterozygous state in an individual affected with Short-rib thoracic dysplasia (McInerney-Leo_2015). These report(s) do not provide unequivocal conclusions about association of the variant with Short-rib thoracic dysplasia. To our knowledge, no experimental evidence demonstrating an impact on protein function has been reported. The following publication have been ascertained in the context of this evaluation (PMID: 25492405). No submitters have cited clinical-significance assessments for this variant to ClinVar. Based on the evidence outlined above, the variant was classified as uncertain significance.

Literature cited by the submitters: PubMed 25492405.

NM_001377.3(DYNC2H1):c.1421T>G (p.Leu474Arg)

Gene: DYNC2H1 (dynein cytoplasmic 2 heavy chain 1; plus strand). Cytogenetic location: 11q22.3.
Variant type: single nucleotide variant.
Coding change: c.1421T>G on transcript NM_001377.3 (MANE Select); coding-DNA position 1421, T replaced by G.
Protein change: p.Leu474Arg; replaces leucine 474 with arginine.
Molecular consequence: missense variant.
Genome position (GRCh38, 1-based): chr11:103,121,432, T>G. VCF-style: chr11-103121432-T-G. GRCh37 (hg19) VCF-style: chr11-102992161-T-G.
Other names: c.1421T>G, p.Leu474Arg (NM_001080463.2); short protein forms L474R.
Identifiers: ClinVar variation 3902348 (VCV003902348.1).
Genomic context (GRCh38, chr11:103,121,432, plus strand): 5'-ATTTTCGATTAGACTTTGAGAATCGGTGCCGAGGAATTCCTGGTGATGCATCTGGACCAC[T>G]TTCTGGCAAAAATCTTTCAGAAGTTGTCAACAGTATAGTTTGGGTTCGCCAGTTGGAATT-3'
Protein context (NP_001368.2, residues 464-484): RGIPGDASGP[Leu474Arg]SGKNLSEVVN